The following is an entry in ClinVar:

ClinVar aggregate classification (germline): Pathogenic/Likely pathogenic. Review status: criteria provided, multiple submitters, no conflicts (2 of 4 stars). 5 submissions from 5 submitters: Pathogenic (3); Likely pathogenic (2). Last evaluated 2025-12-03.

Conditions:
Sengers syndrome. Also called: MITOCHONDRIAL DNA DEPLETION SYNDROME 10 (CARDIOMYOPATHIC TYPE); Cardiomyopathy and cataract. Identifiers: Orphanet 1369, MedGen C1859317, MONDO:0008922, OMIM 212350.
Cataract 38. Also called: Cataract, autosomal recessive congenital 5; Cataract 38, autosomal recessive. Identifiers: Orphanet 91492, MedGen C3553494, MONDO:0013859, OMIM 614691.
AGK-related disorder. Also called: AGK-related condition; AGK-related disorders. Identifiers: MedGen CN239194.

Submissions (5):

Mayo Clinic Laboratories, Mayo Clinic
Classification: Pathogenic. Last evaluated: 2025-12-03. Review status: criteria provided, single submitter. Criteria: ACMG Guidelines, 2015. Collection method: clinical testing. Allele origin: germline. Observed: 1 variant allele.
Comment: PM2_supporting, PM3_supporting, PVS1

Labcorp Genetics (formerly Invitae), Labcorp
Classification: Pathogenic for Sengers syndrome; Cataract 38. Last evaluated: 2024-12-23. Review status: criteria provided, single submitter. Criteria: Invitae Variant Classification Sherloc (09022015). Collection method: clinical testing. Allele origin: germline.
Comment: This sequence change creates a premature translational stop signal (p.Ile175Tyrfs*2) in the AGK gene. It is expected to result in an absent or disrupted protein product. Loss-of-function variants in AGK are known to be pathogenic (PMID: 22284826). This variant is not present in population databases (gnomAD no frequency). This premature translational stop signal has been observed in individual(s) with AGK-related conditions (PMID: 25208612). For these reasons, this variant has been classified as Pathogenic.

Blueprint Genetics
Classification: Likely pathogenic for AGK-related disorders. Last evaluated: 2020-08-11. Review status: criteria provided, single submitter. Criteria: ACMG Guidelines, 2015. Collection method: clinical testing. Allele origin: germline. Affected: yes. Observed: 2 variant alleles.

Institute for Medical Genetics and Human Genetics, Charité - Universitätsmedizin Berlin
Classification: Pathogenic for Sengers syndrome. Review status: criteria provided, single submitter. Criteria: ACMG Guidelines, 2015. Collection method: not provided. Allele origin: germline. Inheritance: Autosomal recessive inheritance. Affected: yes.

UNC Molecular Genetics  Laboratory, University of North Carolina at Chapel Hill
Classification: Likely pathogenic for Sengers syndrome. Review status: criteria provided, single submitter. Criteria: ACMG Guidelines, 2015. Collection method: research. Allele origin: germline. Affected: no. Observed: 1 variant allele. Study: NSIGHT-NC NEXUS.
Comment: The AGK c.523_524delAT, (p.I175Yfs*2) variant is a 2-base-pair deletion frameshift, which is predicted to result in a nonfunctional protein. This variant has previously been reported in Sengers syndrome (PMID: 25208612).

carrier finding

Literature cited by the submitters: PubMed 25208612 (cited by 3 submitters); PubMed 22284826 (cited by Labcorp Genetics (formerly Invitae), Labcorp).

NM_018238.4(AGK):c.523_524del (p.Ile175fs)

Gene: AGK (acylglycerol kinase; plus strand). Cytogenetic location: 7q34.
Variant type: Microsatellite.
Coding change: c.523_524del on transcript NM_018238.4 (MANE Select); coding-DNA positions 523 to 524, 2 bases deleted (AT; older notation c.523_524delAT).
Protein change: p.Ile175fs; shifts the reading frame from isoleucine 175.
Molecular consequence: frameshift variant.
Genome position (GRCh38, 1-based): chr7:141,621,736-141,621,737, AT deleted; deleting any 2 consecutive bases within chr7:141,621,734-141,621,737 gives the same sequence; the c. name uses the placement nearest the transcript's 3' end. VCF-style (leftmost placement, unchanged base first): chr7-141621733-CAT-C. GRCh37 (hg19) VCF-style: chr7-141321533-CAT-C.
Other names: p.Ile175Tyrfs*2; c.523_524del, p.Ile175fs (NM_001364948.3); c.523_524delAT (NM_018238.4); short protein forms I175fs.
Identifiers: ClinVar variation 873475 (VCV000873475.7), dbSNP rs1228071168, ClinGen allele CA834306559.